The following is an entry in ClinVar:

NM_031935.3(HMCN1):c.2515T>G (p.Phe839Val)

Gene: HMCN1 (hemicentin 1; plus strand). Cytogenetic location: 1q31.1.
Variant type: single nucleotide variant.
Coding change: c.2515T>G on transcript NM_031935.3 (MANE Select); coding-DNA position 2515, T replaced by G.
Protein change: p.Phe839Val; replaces phenylalanine 839 with valine.
Molecular consequence: missense variant.
Genome position (GRCh38, 1-based): chr1:185,977,930, T>G. VCF-style: chr1-185977930-T-G. GRCh37 (hg19) VCF-style: chr1-185947062-T-G.
Other names: short protein forms F839V.
Identifiers: ClinVar variation 3674559 (VCV003674559.2).

ClinVar aggregate classification (germline): Uncertain significance (1 of 4 stars; one submission).

gnomAD v4.1: 8 of 1,613,280 alleles (0.0005%); highest among the groups gnomAD compares: African/African-American, 0.011%; no homozygotes.

Submission:

Labcorp Genetics (formerly Invitae), Labcorp
Classification: Uncertain significance. Last evaluated: 2024-06-13. Review status: criteria provided, single submitter. Criteria: Invitae Variant Classification Sherloc (09022015). Collection method: clinical testing. Allele origin: germline.
Comment: This sequence change replaces phenylalanine, which is neutral and non-polar, with valine, which is neutral and non-polar, at codon 839 of the HMCN1 protein (p.Phe839Val). This variant is present in population databases (no rsID available, gnomAD 0.008%). This variant has not been reported in the literature in individuals affected with HMCN1-related conditions. An algorithm developed to predict the effect of missense changes on protein structure and function (PolyPhen-2) suggests that this variant is likely to be tolerated. In summary, the available evidence is currently insufficient to determine the role of this variant in disease. Therefore, it has been classified as a Variant of Uncertain Significance.